The following is an entry in ClinVar:

ClinVar aggregate classification (germline): Uncertain significance (1 of 4 stars; one submission).

Submission:

GeneDx
Classification: Uncertain significance. Last evaluated: 2025-04-03. Review status: criteria provided, single submitter. Criteria: GeneDx Variant Classification Process June 2021. Collection method: clinical testing. Allele origin: germline. Affected: yes.
Comment: In silico analysis supports that this missense variant has a deleterious effect on protein structure/function; Has not been previously published as pathogenic or benign to our knowledge

NM_006766.5(KAT6A):c.1301C>A (p.Ser434Tyr)

Gene: KAT6A (lysine acetyltransferase 6A; minus strand). Cytogenetic location: 8p11.21.
Variant type: single nucleotide variant.
Coding change: c.1301C>A on transcript NM_006766.5 (MANE Select); coding-DNA position 1301, C replaced by A.
Protein change: p.Ser434Tyr; replaces serine 434 with tyrosine.
Molecular consequence: missense variant.
Genome position (GRCh38, 1-based): chr8:41,977,070, G>T on the plus strand (C>A on the coding strand, the complement: KAT6A is on the minus strand). VCF-style: chr8-41977070-G-T. GRCh37 (hg19) VCF-style: chr8-41834588-G-T.
Other names: c.1301C>A, p.Ser434Tyr (NM_001305878.2); short protein forms S434Y.
Identifiers: ClinVar variation 4278830 (VCV004278830.1).